The following is an entry in ClinVar:

ClinVar aggregate classification (germline): Likely benign. Review status: criteria provided, multiple submitters, no conflicts (2 of 4 stars). 5 submissions from 5 submitters: Likely benign (5). Last evaluated 2025-01-05.

Conditions:
Hereditary breast ovarian cancer syndrome. Also called: Hereditary breast and/or ovarian cancer syndrome; Hereditary breast and ovarian cancer; Hereditary breast and ovarian cancer syndrome (HBOC); BRCA1- and BRCA2-Associated Hereditary Breast and Ovarian Cancer; Hereditary breast and ovarian cancer syndrome; Breast and ovarian cancer. Identifiers: Orphanet 145, MedGen C0677776, MeSH D061325, MONDO:0003582. Disease mechanism: loss of function.
Hereditary cancer-predisposing syndrome. Also called: Tumor predisposition; Neoplastic Syndromes, Hereditary; Hereditary neoplastic syndrome; Hereditary Cancer Syndrome. Identifiers: Orphanet 140162, MedGen C0027672, MeSH D009386, MONDO:0015356.

Allele frequency attached by ClinVar (database versions not stated): gnomAD exomes below 0.00001.
gnomAD v4.1: 5 of 1,614,192 alleles (0.00031%); highest among the groups gnomAD compares: Non-Finnish European, 0.00042%; no homozygotes.

Submissions (5):

Labcorp Genetics (formerly Invitae), Labcorp
Classification: Likely benign for Hereditary breast ovarian cancer syndrome. Last evaluated: 2025-01-05. Review status: criteria provided, single submitter. Criteria: Invitae Variant Classification Sherloc (09022015). Collection method: clinical testing. Allele origin: germline.

Blueprint Genetics
Classification: Likely benign. Last evaluated: 2023-05-25. Review status: criteria provided, single submitter. Criteria: ACMG Guidelines, 2015. Collection method: clinical testing. Allele origin: germline.

Color Diagnostics, LLC DBA Color Health
Classification: Likely benign for Hereditary cancer-predisposing syndrome. Last evaluated: 2016-10-03. Review status: criteria provided, single submitter. Criteria: ACMG Guidelines, 2015. Collection method: clinical testing. Allele origin: germline.

GeneDx
Classification: Likely benign. Last evaluated: 2016-02-26. Review status: criteria provided, single submitter. Criteria: GeneDx Variant Classification (06012015). Collection method: clinical testing. Allele origin: germline. Affected: yes.
Comment: This variant is considered likely benign or benign based on one or more of the following criteria: it is a conservative change, it occurs at a poorly conserved position in the protein, it is predicted to be benign by multiple in silico algorithms, and/or has population frequency not consistent with disease.

Ambry Genetics
Classification: Likely benign for Hereditary cancer-predisposing syndrome. Last evaluated: 2016-02-23. Review status: criteria provided, single submitter. Criteria: Ambry Variant Classification Scheme 2023. Collection method: clinical testing. Allele origin: germline.

NM_000059.4(BRCA2):c.10179A>G (p.Glu3393=)

Gene: BRCA2 (BRCA2 DNA repair associated; plus strand). Cytogenetic location: 13q13.1.
Variant type: single nucleotide variant.
Coding change: c.10179A>G on transcript NM_000059.4 (MANE Select); coding-DNA position 10179, A replaced by G.
Protein change: p.Glu3393=; no amino-acid change (glutamic acid 3393 retained).
Molecular consequence: synonymous variant.
Genome position (GRCh38, 1-based): chr13:32,398,692, A>G. VCF-style: chr13-32398692-A-G. GRCh37 (hg19) VCF-style: chr13-32972829-A-G.
Identifiers: ClinVar variation 384349 (VCV000384349.18), dbSNP rs747173903, ClinGen allele CA16606839.